The following is an entry in ClinVar:

NM_004168.4(SDHA):c.871G>T (p.Glu291Ter)

Gene: SDHA (succinate dehydrogenase complex flavoprotein subunit A; plus strand). Cytogenetic location: 5p15.33.
Variant type: single nucleotide variant.
Coding change: c.871G>T on transcript NM_004168.4 (MANE Select); coding-DNA position 871, G replaced by T.
Protein change: p.Glu291Ter; replaces glutamic acid 291 with a stop codon.
Molecular consequence: nonsense.
Genome position (GRCh38, 1-based): chr5:230,976, G>T. VCF-style: chr5-230976-G-T. GRCh37 (hg19) VCF-style: chr5-231091-G-T.
Other names: c.727G>T, p.Glu243Ter (NM_001294332.2); c.871G>T, p.Glu291Ter (NM_001330758.2); short protein forms E243*, E291*.
Identifiers: ClinVar variation 5006884 (VCV005006884.2).
Genomic context (GRCh38, chr5:230,976, plus strand): 5'-ACCAGCACTGGCGACGGCACGGCCATGATCACCAGGGCAGGCCTTCCTTGCCAGGACCTA[G>T]AGTTTGTTCAGTTCCACCCTACAGGTAGGGCAGGACGCCTTGCCCGGCAGGTGTTTGGCT-3'

ClinVar aggregate classification (germline): Likely pathogenic (1 of 4 stars; one submission).

Conditions:
Pheochromocytoma/paraganglioma syndrome 5. Also called: Paragangliomas 5; SDHA-Related Hereditary Paraganglioma-Pheochromocytoma Syndrome. Identifiers: Orphanet 29072, MedGen C3279992, MONDO:0013602, OMIM 614165.
Dilated cardiomyopathy 1GG (CMD1GG). Identifiers: Orphanet 154, MedGen C3150898, MONDO:0013339, OMIM 613642.
Mitochondrial complex II deficiency, nuclear type 1. Also called: SUCCINATE CoQ REDUCTASE DEFICIENCY. Identifiers: Orphanet 3208, MedGen C5700310, MONDO:0100294, OMIM 252011.
Neurodegeneration with ataxia and late-onset optic atrophy. Identifiers: MedGen C5543254, MONDO:0031006, OMIM 619259.

Submission:

Juno Genomics, Hangzhou Juno Genomics, Inc
Classification: Likely pathogenic for Pheochromocytoma/paraganglioma syndrome 5; Dilated cardiomyopathy 1GG; Mitochondrial complex II deficiency, nuclear type 1; Neurodegeneration with ataxia and late-onset optic atrophy. Review status: criteria provided, single submitter. Criteria: ACMG Guidelines, 2015. Collection method: clinical testing. Allele origin: germline.
Comment: Null variant in a gene where loss of function (LOF) is a known mechanism of disease.;Absent from controls (or at extremely low frequency if recessive) in Genome Aggregation Database.